The following is an entry in ClinVar:

ClinVar aggregate classification (germline): Likely benign. Review status: criteria provided, multiple submitters, no conflicts (2 of 4 stars). 5 submissions from 5 submitters: Likely benign (5). Last evaluated 2025-09-13.

Conditions:
Inborn genetic diseases. Identifiers: MedGen C0950123, MeSH D030342.
ASXL2-related disorder. Also called: ASXL2-related condition.

Allele frequency attached by ClinVar (database versions not stated): gnomAD exomes 0.00006 and 0.00014; ExAC 0.00019; gnomAD 0.00059 and 0.00060; ESP Exome Variant Server 0.00065; 1000 Genomes Project 0.00080; TOPMed 0.00081; 1000 Genomes Project 30x 0.00109.
gnomAD v4.1: 179 of 1,614,022 alleles (0.011%); highest among the groups gnomAD compares: African/African-American, 0.21%; no homozygotes.

Submissions (5):

PreventionGenetics, part of Exact Sciences
Classification: Likely benign for ASXL2-related condition. Last evaluated: 2025-09-13. Review status: criteria provided, single submitter. Criteria: ACMG Guidelines, 2015. Collection method: clinical testing. Allele origin: germline.
Comment: This variant is classified as likely benign based on ACMG/AMP sequence variant interpretation guidelines (Richards et al. 2015 PMID: 25741868, with internal and published modifications).

Labcorp Genetics (formerly Invitae), Labcorp
Classification: Likely benign. Last evaluated: 2025-09-06. Review status: criteria provided, single submitter. Criteria: Invitae Variant Classification Sherloc (09022015). Collection method: clinical testing. Allele origin: germline.

Ambry Genetics
Classification: Likely benign for Inborn genetic diseases. Last evaluated: 2025-05-18. Review status: criteria provided, single submitter. Criteria: Ambry Variant Classification Scheme 2023. Collection method: clinical testing. Allele origin: germline.

Blueprint Genetics
Classification: Likely benign. Last evaluated: 2023-06-16. Review status: criteria provided, single submitter. Criteria: ACMG Guidelines, 2015. Collection method: clinical testing. Allele origin: germline.

Breakthrough Genomics
Classification: Likely benign. Review status: criteria provided, single submitter. Criteria: ACMG Guidelines, 2015. Collection method: not provided. Allele origin: germline. Inheritance: Autosomal dominant inheritance. Affected: yes.

NM_018263.6(ASXL2):c.2137G>T (p.Gly713Cys)

Gene: ASXL2 (ASXL transcriptional regulator 2; minus strand). Cytogenetic location: 2p23.3.
Variant type: single nucleotide variant.
Coding change: c.2137G>T on transcript NM_018263.6 (MANE Select); coding-DNA position 2137, G replaced by T.
Protein change: p.Gly713Cys; replaces glycine 713 with cysteine.
Molecular consequence: missense variant.
Genome position (GRCh38, 1-based): chr2:25,744,200, C>A on the plus strand (G>T on the coding strand, the complement: ASXL2 is on the minus strand). VCF-style: chr2-25744200-C-A. GRCh37 (hg19) VCF-style: chr2-25967069-C-A.
Other names: c.1963G>T, p.Gly655Cys (NM_001369346.1); c.2137G>T (NM_018263.4); c.1357G>T, p.Gly453Cys (NM_001369347.1); short protein forms G453C, G655C, G713C.
Identifiers: ClinVar variation 1654784 (VCV001654784.12), dbSNP rs200634004, ClinGen allele CA1557682.